The following is an entry in ClinVar:

NM_006892.4(DNMT3B):c.2447C>T (p.Thr816Ile)

Gene: DNMT3B (DNA methyltransferase 3 beta; plus strand). Cytogenetic location: 20q11.21.
Variant type: single nucleotide variant.
Coding change: c.2447C>T on transcript NM_006892.4 (MANE Select); coding-DNA position 2447, C replaced by T.
Protein change: p.Thr816Ile; replaces threonine 816 with isoleucine.
Molecular consequence: missense variant.
Genome position (GRCh38, 1-based): chr20:32,807,788, C>T. VCF-style: chr20-32807788-C-T. GRCh37 (hg19) VCF-style: chr20-31395594-C-T.
Other names: c.2072C>T, p.Thr691Ile (NM_001207055.2); c.1970C>T, p.Thr657Ile (NM_001207056.2); c.2387C>T, p.Thr796Ile (NM_175848.2); c.2198C>T, p.Thr733Ile (NM_175849.2); c.2423C>T, p.Thr808Ile (NM_175850.3); short protein forms T796I, T657I, T733I, T808I, T691I, T816I.
Identifiers: ClinVar variation 1390029 (VCV001390029.3), dbSNP rs765258381, ClinGen allele CA9810921.

ClinVar aggregate classification (germline): Uncertain significance (1 of 4 stars; one submission).

Conditions:
Centromeric instability of chromosomes 1,9 and 16 and immunodeficiency (ICF1). Also called: Immunodeficiency-centromeric instability-facial anomalies; IMMUNE DEFICIENCY, VARIABLE, WITH CENTROMERIC INSTABILITY OF CHROMOSOMES 1, 9, AND 16; IMMUNODEFICIENCY SYNDROME, VARIABLE; CENTROMERIC INSTABILITY, IMMUNODEFICIENCY SYNDROME. Identifiers: Orphanet 2268, MedGen C0398788, MONDO:0000133.

Allele frequency attached by ClinVar (database versions not stated): gnomAD exomes below 0.00001; ExAC 0.00001; gnomAD 0.00001; TOPMed 0.00002.
gnomAD v4.1: 1 of 1,614,060 alleles (0.000062%); highest among the groups gnomAD compares: African/African-American, 0.0013%; no homozygotes.

Submission:

Labcorp Genetics (formerly Invitae), Labcorp
Classification: Uncertain significance for Centromeric instability of chromosomes 1,9 and 16 and immunodeficiency. Last evaluated: 2021-09-19. Review status: criteria provided, single submitter. Criteria: Invitae Variant Classification Sherloc (09022015). Collection method: clinical testing. Allele origin: germline.
Comment: This sequence change replaces threonine with isoleucine at codon 816 of the DNMT3B protein (p.Thr816Ile). The threonine residue is highly conserved and there is a moderate physicochemical difference between threonine and isoleucine. This variant is present in population databases (rs765258381, ExAC 0.01%). This variant has not been reported in the literature in individuals affected with DNMT3B-related conditions. Algorithms developed to predict the effect of missense changes on protein structure and function are either unavailable or do not agree on the potential impact of this missense change (SIFT: "Deleterious"; PolyPhen-2: "Probably Damaging"; Align-GVGD: "Class C0"). In summary, the available evidence is currently insufficient to determine the role of this variant in disease. Therefore, it has been classified as a Variant of Uncertain Significance.